The following is an entry in ClinVar:

ClinVar aggregate classification (germline): Uncertain significance (1 of 4 stars; one submission).

Submission:

GeneDx
Classification: Uncertain significance. Last evaluated: 2026-02-06. Review status: criteria provided, single submitter. Criteria: GeneDx Variant Classification Process June 2021. Collection method: clinical testing. Allele origin: germline.
Comment: Not observed at significant frequency in large population cohorts (gnomAD); In silico analysis supports that this missense variant has a deleterious effect on protein structure/function; Has not been previously published as pathogenic or benign to our knowledge

NM_001385012.1(NBEA):c.5621T>G (p.Met1874Arg)

Gene: NBEA (neurobeachin; plus strand). Cytogenetic location: 13q13.3.
Variant type: single nucleotide variant.
Coding change: c.5621T>G on transcript NM_001385012.1 (MANE Select); coding-DNA position 5621, T replaced by G.
Protein change: p.Met1874Arg; replaces methionine 1874 with arginine.
Molecular consequence: missense variant.
Genome position (GRCh38, 1-based): chr13:35,211,152, T>G. VCF-style: chr13-35211152-T-G. GRCh37 (hg19) VCF-style: chr13-35785289-T-G.
Other names: c.5612T>G, p.Met1871Arg (NM_001379245.1); c.5621T>G, p.Met1874Arg (NM_015678.5); short protein forms M1871R, M1874R.
Identifiers: ClinVar variation 4975502 (VCV004975502.1).